The following is an entry in ClinVar:

NM_013432.5(TONSL):c.2458C>T (p.Pro820Ser)

Genes: TONSL (tonsoku like, DNA repair protein; minus strand), TONSL-AS1 (TONSL antisense RNA 1; plus strand). Cytogenetic location: 8q24.3.
Variant type: single nucleotide variant.
Coding change: c.2458C>T on transcript NM_013432.5 (MANE Select); coding-DNA position 2458, C replaced by T.
Protein change: p.Pro820Ser; replaces proline 820 with serine.
Molecular consequence: missense variant.
Genome position (GRCh38, 1-based): chr8:144,435,975, G>A on the plus strand (C>T on the coding strand, the complement: TONSL is on the minus strand). VCF-style: chr8-144435975-G-A. GRCh37 (hg19) VCF-style: chr8-145661358-G-A.
Other names: c.2458C>T (NM_013432.4); short protein forms P820S.
Identifiers: ClinVar variation 1047672 (VCV001047672.5), dbSNP rs539622862, ClinGen allele CA4942824.
Genomic context (GRCh38, chr8:144,435,975, plus strand): 5'-TGTCCAGCTCCAGCCAGTCCCCGGCCAGGCACTCCTCCTCCGGGATGAGCGCTGCCTGGG[G>A]GGCAAGGGCTTTGCTGTGGCCCCGCGGTGGGCCAGGCCCCAGCCGGCTCTGAGCACTGCC-3'
Protein context (NP_038460.4, residues 810-830): PPRGHSKALA[Pro820Ser]QAALIPEEEC

ClinVar aggregate classification (germline): Uncertain significance. Review status: criteria provided, multiple submitters, no conflicts (2 of 4 stars). 2 submissions from 2 submitters: Uncertain significance (2). Last evaluated 2025-08-20.

Conditions:
Inborn genetic diseases. Identifiers: MedGen C0950123, MeSH D030342.

Allele frequency attached by ClinVar (database versions not stated): gnomAD 0.00018 and 0.00017; TOPMed 0.00029; 1000 Genomes Project 0.00040; gnomAD exomes 0.00001 and 0.00003; ExAC 0.00003; 1000 Genomes Project 30x 0.00047.
gnomAD v4.1: 51 of 1,555,566 alleles (0.0033%); highest among the groups gnomAD compares: Admixed American, 0.05%; no homozygotes.

Submissions (2):

Ambry Genetics
Classification: Uncertain significance for Inborn genetic diseases. Last evaluated: 2025-08-20. Review status: criteria provided, single submitter. Criteria: Ambry Variant Classification Scheme 2023. Collection method: clinical testing. Allele origin: germline.

Labcorp Genetics (formerly Invitae), Labcorp
Classification: Uncertain significance. Last evaluated: 2022-11-01. Review status: criteria provided, single submitter. Criteria: Invitae Variant Classification Sherloc (09022015). Collection method: clinical testing. Allele origin: germline.
Comment: This sequence change replaces proline, which is neutral and non-polar, with serine, which is neutral and polar, at codon 820 of the TONSL protein (p.Pro820Ser). This variant is present in population databases (rs539622862, gnomAD 0.02%). This variant has not been reported in the literature in individuals affected with TONSL-related conditions. ClinVar contains an entry for this variant (Variation ID: 1047672). Advanced modeling of protein sequence and biophysical properties (such as structural, functional, and spatial information, amino acid conservation, physicochemical variation, residue mobility, and thermodynamic stability) performed at Invitae indicates that this missense variant is not expected to disrupt TONSL protein function. In summary, the available evidence is currently insufficient to determine the role of this variant in disease. Therefore, it has been classified as a Variant of Uncertain Significance.